The following is an entry in ClinVar:

ClinVar aggregate classification (germline): Benign. Review status: criteria provided, multiple submitters, no conflicts (2 of 4 stars). 2 submissions from 2 submitters: Benign (2). Last evaluated 2026-02-01.

Conditions:
Epidermolysis bullosa simplex. Also called: Epidermolysis bullosa simplex, Weber-Cockayne type (subtype); Epidermolysis bullosa simplex, Dowling-Meara type (subtype); Epidermolysis bullosa simplex with mottled pigmentation (subtype). Identifiers: Orphanet 304, MedGen C0079298, MONDO:0017610.

Allele frequency attached by ClinVar (database versions not stated): gnomAD 0.00004 and 0.00012; TOPMed 0.00005; 1000 Genomes Project 30x 0.00016; gnomAD exomes 0.00016 and 0.00029; 1000 Genomes Project 0.00020; ExAC 0.00027.
gnomAD v4.1: 256 of 1,613,988 alleles (0.016%); highest among the groups gnomAD compares: South Asian, 0.24%; 1 homozygote.

Submissions (2):

Labcorp Genetics (formerly Invitae), Labcorp
Classification: Benign. Last evaluated: 2026-02-01. Review status: criteria provided, single submitter. Criteria: Invitae Variant Classification Sherloc (09022015). Collection method: clinical testing. Allele origin: germline.

Illumina Laboratory Services, Illumina
Classification: Benign for Epidermolysis bullosa simplex. Last evaluated: 2018-01-22. Review status: criteria provided, single submitter. Criteria: ICSL Variant Classification Criteria 13 December 2019. Collection method: clinical testing. Allele origin: germline.
Comment: This variant was observed in the ICSL laboratory as part of a predisposition screen in an ostensibly healthy population. It had not been previously curated by ICSL or reported in the Human Gene Mutation Database (HGMD: prior to June 1st, 2018), and was therefore a candidate for classification through an automated scoring system. Utilizing variant allele frequency, disease prevalence and penetrance estimates, and inheritance mode, an automated score was calculated to assess if this variant is too frequent to cause the disease. Based on the score and internal cut-off values, a variant classified as benign is not then subjected to further curation. The score for this variant resulted in a classification of benign for this disease.

NM_000424.4(KRT5):c.57C>T (p.Thr19=)

Gene: KRT5 (keratin 5; minus strand). Cytogenetic location: 12q13.13.
Variant type: single nucleotide variant.
Coding change: c.57C>T on transcript NM_000424.4 (MANE Select); coding-DNA position 57, C replaced by T.
Protein change: p.Thr19=; no amino-acid change (threonine 19 retained).
Molecular consequence: synonymous variant.
Genome position (GRCh38, 1-based): chr12:52,520,240, G>A on the plus strand (C>T on the coding strand, the complement: KRT5 is on the minus strand). VCF-style: chr12-52520240-G-A. GRCh37 (hg19) VCF-style: chr12-52914024-G-A.
Identifiers: ClinVar variation 790862 (VCV000790862.8), dbSNP rs529397720, ClinGen allele CA6582945.